The following is an entry in ClinVar:

ClinVar aggregate classification (germline): Likely pathogenic (0 of 4 stars; one submission).

Conditions:
MC4R-related disorder. Also called: MC4R-related condition.

Submission:

PreventionGenetics, part of Exact Sciences
Classification: Likely pathogenic for MC4R-related condition. Last evaluated: 2024-07-05. Review status: no assertion criteria provided. Collection method: clinical testing. Allele origin: germline.
Comment: The MC4R c.59delG variant is predicted to result in a frameshift and premature protein termination (p.Ser20Ilefs*33). To our knowledge, this variant has not been reported in the literature or in a large population database, indicating this variant is rare. Frameshift variants in MC4R are expected to be pathogenic. This variant is interpreted as likely pathogenic.

NM_005912.3(MC4R):c.59del (p.Ser20fs)

Gene: MC4R (melanocortin 4 receptor; minus strand). Cytogenetic location: 18q21.32.
Variant type: Deletion.
Coding change: c.59del on transcript NM_005912.3 (MANE Select); coding-DNA position 59, one base deleted (G; older notation c.59delG).
Protein change: p.Ser20fs; shifts the reading frame from serine 20.
Molecular consequence: frameshift variant.
Genome position (GRCh38, 1-based): chr18:60,372,291, C deleted on the plus strand (G on the coding strand, the reverse complement: MC4R is on the minus strand). VCF-style (leftmost placement, unchanged base first): chr18-60372290-AC-A. GRCh37 (hg19) VCF-style: chr18-58039523-AC-A.
Other names: short protein forms S20fs.
Identifiers: ClinVar variation 3347685 (VCV003347685.1).